The following is an entry in ClinVar:

ClinVar aggregate classification (germline): Uncertain significance (1 of 4 stars; one submission).

Conditions:
ARID2-related disorder. Also called: ARID2-related condition.

gnomAD v4.1: 1 of 1,614,164 alleles (0.000062%); highest among the groups gnomAD compares: Middle Eastern, 0.016%; no homozygotes.

Submission:

PreventionGenetics, part of Exact Sciences
Classification: Uncertain significance for ARID2-related condition. Last evaluated: 2024-10-29. Review status: criteria provided, single submitter. Criteria: ACMG Guidelines, 2015. Collection method: clinical testing. Allele origin: germline.
Comment: The ARID2 c.1434A>C variant is predicted to result in the amino acid substitution p.Leu478Phe. To our knowledge, this variant has not been reported in the literature or in a large population database (gnomAD), indicating this variant is rare. At this time, the clinical significance of this variant is uncertain due to the absence of conclusive functional and genetic evidence.

NM_152641.4(ARID2):c.1434A>C (p.Leu478Phe)

Gene: ARID2 (AT-rich interaction domain 2; plus strand). Cytogenetic location: 12q12.
Variant type: single nucleotide variant.
Coding change: c.1434A>C on transcript NM_152641.4 (MANE Select); coding-DNA position 1434, A replaced by C.
Protein change: p.Leu478Phe; replaces leucine 478 with phenylalanine.
Molecular consequence: missense variant.
Genome position (GRCh38, 1-based): chr12:45,839,432, A>C. VCF-style: chr12-45839432-A-C. GRCh37 (hg19) VCF-style: chr12-46233215-A-C.
Other names: c.1434A>C, p.Leu478Phe (NM_001347839.2); short protein forms L478F.
Identifiers: ClinVar variation 4989999 (VCV004989999.1).